The following is an entry in ClinVar:

ClinVar aggregate classification (germline): Benign/Likely benign. Review status: criteria provided, multiple submitters, no conflicts (2 of 4 stars). 6 submissions from 6 submitters: Benign (1); Likely benign (5). Last evaluated 2026-05-01.

Conditions:
Inborn genetic diseases. Identifiers: MedGen C0950123, MeSH D030342.

Allele frequency attached by ClinVar (database versions not stated): 1000 Genomes Project 0.00140; 1000 Genomes Project 30x 0.00156; ESP Exome Variant Server 0.00292; gnomAD 0.00320 and 0.00333; TOPMed 0.00357; gnomAD exomes 0.00363 and 0.00499; ExAC 0.00398.
gnomAD v4.1: 7,765 of 1,614,184 alleles (0.48%); highest among the groups gnomAD compares: Non-Finnish European, 0.57%; 29 homozygotes.

Submissions (6):

CeGaT Center for Human Genetics Tuebingen
Classification: Likely benign. Last evaluated: 2026-05-01. Review status: criteria provided, single submitter. Criteria: CeGaT Center For Human Genetics Tuebingen Variant Classification Criteria Version 2. Collection method: clinical testing. Allele origin: germline. Affected: yes. Observed: 13 variant alleles.
Comment: CDK5RAP2: BP4, BS2

Labcorp Genetics (formerly Invitae), Labcorp
Classification: Likely benign. Last evaluated: 2026-01-15. Review status: criteria provided, single submitter. Criteria: Invitae Variant Classification Sherloc (09022015). Collection method: clinical testing. Allele origin: germline.

Blueprint Genetics
Classification: Likely benign. Last evaluated: 2024-11-20. Review status: criteria provided, single submitter. Criteria: ACMG Guidelines, 2015. Collection method: clinical testing. Allele origin: germline.

Ambry Genetics
Classification: Likely benign for Inborn genetic diseases. Last evaluated: 2022-09-20. Review status: criteria provided, single submitter. Criteria: Ambry Variant Classification Scheme 2023. Collection method: clinical testing. Allele origin: germline.

GeneDx
Classification: Benign. Last evaluated: 2018-07-25. Review status: criteria provided, single submitter. Criteria: GeneDx Variant Classification Process June 2021. Collection method: clinical testing. Allele origin: germline. Affected: yes.

Genetic Services Laboratory, University of Chicago
Classification: Likely benign. Last evaluated: 2016-08-31. Review status: criteria provided, single submitter. Criteria: ACMG Guidelines, 2015. Collection method: clinical testing. Allele origin: germline. Affected: no.

NM_018249.6(CDK5RAP2):c.2655C>G (p.Phe885Leu)

Gene: CDK5RAP2 (CDK5 regulatory subunit associated protein 2; minus strand). Cytogenetic location: 9q33.2.
Variant type: single nucleotide variant.
Coding change: c.2655C>G on transcript NM_018249.6 (MANE Select); coding-DNA position 2655, C replaced by G.
Protein change: p.Phe885Leu; replaces phenylalanine 885 with leucine.
Molecular consequence: missense variant. On other transcripts: non-coding transcript variant (5), intron variant (1).
Genome position (GRCh38, 1-based): chr9:120,453,594, G>C on the plus strand (C>G on the coding strand, the complement: CDK5RAP2 is on the minus strand). VCF-style: chr9-120453594-G-C. GRCh37 (hg19) VCF-style: chr9-123215872-G-C.
Other names: c.2655C>G, p.Phe885Leu (NM_001011649.3); c.2104-5468C>G (NM_001272039.2); short protein forms F885L.
Identifiers: ClinVar variation 364762 (VCV000364762.51), dbSNP rs112600265, ClinGen allele CA5214025.